The following is an entry in ClinVar:

NM_153704.6(TMEM67):c.1612G>A (p.Ala538Thr)

Gene: TMEM67 (transmembrane protein 67; plus strand). Cytogenetic location: 8q22.1.
Variant type: single nucleotide variant.
Coding change: c.1612G>A on transcript NM_153704.6 (MANE Select); coding-DNA position 1612, G replaced by A.
Protein change: p.Ala538Thr; replaces alanine 538 with threonine.
Molecular consequence: missense variant. On other transcripts: non-coding transcript variant (1).
Genome position (GRCh38, 1-based): chr8:93,793,234, G>A. VCF-style: chr8-93793234-G-A. GRCh37 (hg19) VCF-style: chr8-94805462-G-A.
Other names: c.1369G>A, p.Ala457Thr (NM_001142301.1); short protein forms A538T, A457T.
Identifiers: ClinVar variation 3458539 (VCV003458539.2).

ClinVar aggregate classification (germline): Uncertain significance. Review status: criteria provided, multiple submitters, no conflicts (2 of 4 stars). 2 submissions from 2 submitters: Uncertain significance (2). Last evaluated 2026-01-30.

Conditions:
Inborn genetic diseases. Identifiers: MedGen C0950123, MeSH D030342.

gnomAD v4.1: 13 of 1,613,948 alleles (0.00081%); highest among the groups gnomAD compares: South Asian, 0.0011%; no homozygotes.

Submissions (2):

GeneDx
Classification: Uncertain significance. Last evaluated: 2026-01-30. Review status: criteria provided, single submitter. Criteria: GeneDx Variant Classification Process June 2021. Collection method: clinical testing. Allele origin: germline.
Comment: Not observed at significant frequency in large population cohorts (gnomAD); In silico analysis suggests that this missense variant does not alter protein structure/function; Has not been previously published as pathogenic or benign to our knowledge

Ambry Genetics
Classification: Uncertain significance for Inborn genetic diseases. Last evaluated: 2024-06-26. Review status: criteria provided, single submitter. Criteria: Ambry Variant Classification Scheme 2023. Collection method: clinical testing. Allele origin: germline.